The following is an entry in ClinVar:

NM_000252.3(MTM1):c.1725G>C (p.Gln575His)

Gene: MTM1 (myotubularin 1; plus strand). Cytogenetic location: Xq28.
Variant type: single nucleotide variant.
Coding change: c.1725G>C on transcript NM_000252.3 (MANE Select); coding-DNA position 1725, G replaced by C.
Protein change: p.Gln575His; replaces glutamine 575 with histidine.
Molecular consequence: missense variant.
Genome position (GRCh38, 1-based): chrX:150,671,508, G>C. VCF-style: chrX-150671508-G-C. GRCh37 (hg19) VCF-style: chrX-149839981-G-C.
Other names: c.1722G>C, p.Gln574His (NM_001376906.1); c.1614G>C, p.Gln538His (NM_001376907.1); c.1725G>C, p.Gln575His (NM_001376908.1); short protein forms Q538H, Q574H, Q575H.
Identifiers: ClinVar variation 3907110 (VCV003907110.1).
Genomic context (GRCh38, chrX:150,671,508, plus strand): 5'-GCGTTACATGGAGCTCTTAGCCTTACGCGACGAATACATAAAGCGGCTTGAGGAACTGCA[G>C]CTCGCCAACTCTGCCAAGCTTTCTGATCCCCCAACTTCACCTTCCAGTCCTTCGCAAATG-3'
Protein context (NP_000243.1, residues 565-585): DEYIKRLEEL[Gln575His]LANSAKLSDP

ClinVar aggregate classification (germline): Uncertain significance (1 of 4 stars; one submission).

gnomAD v4.1: 1 of 1,211,194 alleles (0.000083%); highest among the groups gnomAD compares: Non-Finnish European, 0.00011%; no homozygotes.

Submission:

Women's Health and Genetics/Laboratory Corporation of America, LabCorp
Classification: Uncertain significance. Last evaluated: 2025-06-16. Review status: criteria provided, single submitter. Criteria: LabCorp Variant Classification Summary - May 2015. Collection method: clinical testing. Allele origin: germline.
Comment: Variant summary: MTM1 c.1725G>C (p.Gln575His) results in a non-conservative amino acid change in the encoded protein sequence. Algorithms developed to predict the effect of missense changes on protein structure and function all suggest that this variant is likely to be disruptive. The variant was absent in 183135 control chromosomes. The available data on variant occurrences in the general population are insufficient to allow any conclusion about variant significance. To our knowledge, no occurrence of c.1725G>C in individuals affected with Severe X-Linked Myotubular Myopathy and no experimental evidence demonstrating its impact on protein function have been reported. No submitters have cited clinical-significance assessments for this variant to ClinVar. Based on the evidence outlined above, the variant was classified as uncertain significance.